The following is an entry in ClinVar:

ClinVar aggregate classification (germline): Uncertain significance (1 of 4 stars; one submission).

Allele frequency attached by ClinVar (database versions not stated): gnomAD exomes below 0.00001.

Submission:

Labcorp Genetics (formerly Invitae), Labcorp
Classification: Uncertain significance. Last evaluated: 2025-10-21. Review status: criteria provided, single submitter. Criteria: Invitae Variant Classification Sherloc (09022015). Collection method: clinical testing. Allele origin: germline.
Comment: This sequence change replaces cysteine, which is neutral and slightly polar, with phenylalanine, which is neutral and non-polar, at codon 2482 of the KMT2A protein (p.Cys2482Phe). This variant is not present in population databases (gnomAD no frequency). This variant has not been reported in the literature in individuals affected with KMT2A-related conditions. ClinVar contains an entry for this variant (Variation ID: 2047526). Invitae Evidence Modeling of protein sequence and biophysical properties (such as structural, functional, and spatial information, amino acid conservation, physicochemical variation, residue mobility, and thermodynamic stability) indicates that this missense variant is not expected to disrupt KMT2A protein function with a negative predictive value of 95%. In summary, the available evidence is currently insufficient to determine the role of this variant in disease. Therefore, it has been classified as a Variant of Uncertain Significance.

NM_001197104.2(KMT2A):c.7445G>T (p.Cys2482Phe)

Gene: KMT2A (lysine methyltransferase 2A; plus strand). Cytogenetic location: 11q23.3.
Variant type: single nucleotide variant.
Coding change: c.7445G>T on transcript NM_001197104.2 (MANE Select); coding-DNA position 7445, G replaced by T.
Protein change: p.Cys2482Phe; replaces cysteine 2482 with phenylalanine.
Molecular consequence: missense variant.
Genome position (GRCh38, 1-based): chr11:118,503,337, G>T. VCF-style: chr11-118503337-G-T. GRCh37 (hg19) VCF-style: chr11-118374052-G-T.
Other names: c.7535G>T, p.Cys2512Phe (NM_001412597.1); c.7436G>T, p.Cys2479Phe (NM_005933.4); short protein forms C2479F, C2482F, C2512F.
Identifiers: ClinVar variation 2047526 (VCV002047526.4), dbSNP rs782149580, ClinGen allele CA229526833.